The following is an entry in ClinVar:

NM_020338.4(ZMIZ1):c.1780C>T (p.Pro594Ser)

Gene: ZMIZ1 (zinc finger MIZ-type containing 1; plus strand). Cytogenetic location: 10q22.3.
Variant type: single nucleotide variant.
Coding change: c.1780C>T on transcript NM_020338.4 (MANE Select); coding-DNA position 1780, C replaced by T.
Protein change: p.Pro594Ser; replaces proline 594 with serine.
Molecular consequence: missense variant.
Genome position (GRCh38, 1-based): chr10:79,299,163, C>T. VCF-style: chr10-79299163-C-T. GRCh37 (hg19) VCF-style: chr10-81058920-C-T.
Other names: short protein forms P594S.
Identifiers: ClinVar variation 2446257 (VCV002446257.1), dbSNP rs2492126331, ClinGen allele CA377338595.

ClinVar aggregate classification (germline): Uncertain significance (1 of 4 stars; one submission).

Submission:

GeneDx
Classification: Uncertain significance. Last evaluated: 2022-09-22. Review status: criteria provided, single submitter. Criteria: GeneDx Variant Classification Process June 2021. Collection method: clinical testing. Allele origin: germline. Affected: yes.
Comment: Not observed at significant frequency in large population cohorts (gnomAD); In silico analysis supports that this missense variant does not alter protein structure/function; Has not been previously published as pathogenic or benign to our knowledge